The following is an entry in ClinVar:

NM_020297.4(ABCC9):c.2586C>A (p.Asp862Glu)

Gene: ABCC9 (ATP binding cassette subfamily C member 9; minus strand). Cytogenetic location: 12p12.1.
Variant type: single nucleotide variant.
Coding change: c.2586C>A on transcript NM_020297.4 (MANE Select); coding-DNA position 2586, C replaced by A.
Protein change: p.Asp862Glu; replaces aspartic acid 862 with glutamic acid.
Molecular consequence: missense variant.
Genome position (GRCh38, 1-based): chr12:21,852,425, G>T on the plus strand (C>A on the coding strand, the complement: ABCC9 is on the minus strand). VCF-style: chr12-21852425-G-T. GRCh37 (hg19) VCF-style: chr12-22005359-G-T.
Other names: c.2586C>A, p.Asp862Glu (NM_001377273.1, NM_005691.4); c.1719C>A, p.Asp573Glu (NM_001377274.1); c.2586C>A (NM_005691.2); short protein forms D573E, D862E.
Identifiers: ClinVar variation 1051586 (VCV001051586.11), dbSNP rs768765531, ClinGen allele CA384125503.

ClinVar aggregate classification (germline): Uncertain significance. Review status: criteria provided, multiple submitters, no conflicts (2 of 4 stars). 2 submissions from 2 submitters: Uncertain significance (2). Last evaluated 2023-06-16.

Conditions:
Dilated cardiomyopathy 1O (CMD1O). Also called: CARDIOMYOPATHY, DILATED, WITH VENTRICULAR TACHYCARDIA. Identifiers: Orphanet 154, MedGen C1837839, MONDO:0012062, OMIM 608569.
Cardiovascular phenotype. Identifiers: MedGen CN230736.

Allele frequency attached by ClinVar (database versions not stated): gnomAD 0.00001; TOPMed 0.00001.
gnomAD v4.1: 2 of 1,613,720 alleles (0.00012%); highest among the groups gnomAD compares: African/African-American, 0.0027%; no homozygotes.

Submissions (2):

Ambry Genetics
Classification: Uncertain significance for Cardiovascular phenotype. Last evaluated: 2023-06-16. Review status: criteria provided, single submitter. Criteria: Ambry Variant Classification Scheme 2023. Collection method: clinical testing. Allele origin: germline.
Comment: The p.D862E variant (also known as c.2586C>A), located in coding exon 21 of the ABCC9 gene, results from a C to A substitution at nucleotide position 2586. The aspartic acid at codon 862 is replaced by glutamic acid, an amino acid with highly similar properties. This amino acid position is highly conserved in available vertebrate species. In addition, the in silico prediction for this alteration is inconclusive. Since supporting evidence is limited at this time, the clinical significance of this alteration remains unclear.

Labcorp Genetics (formerly Invitae), Labcorp
Classification: Uncertain significance for Dilated cardiomyopathy 1O. Last evaluated: 2020-12-15. Review status: criteria provided, single submitter. Criteria: Invitae Variant Classification Sherloc (09022015). Collection method: clinical testing. Allele origin: germline.
Comment: In summary, the available evidence is currently insufficient to determine the role of this variant in disease. Therefore, it has been classified as a Variant of Uncertain Significance. Algorithms developed to predict the effect of missense changes on protein structure and function (SIFT, PolyPhen-2, Align-GVGD) all suggest that this variant is likely to be tolerated, but these predictions have not been confirmed by published functional studies and their clinical significance is uncertain. This variant has not been reported in the literature in individuals with ABCC9-related conditions. This variant is not present in population databases (ExAC no frequency). This sequence change replaces aspartic acid with glutamic acid at codon 862 of the ABCC9 protein (p.Asp862Glu). The aspartic acid residue is moderately conserved and there is a small physicochemical difference between aspartic acid and glutamic acid.